The following is an entry in ClinVar:

ClinVar aggregate classification (germline): Benign (0 of 4 stars; one submission).

Conditions:
LIMK1-related disorder. Also called: LIMK1-related condition.

Allele frequency attached by ClinVar (database versions not stated): 1000 Genomes Project 0.00579; 1000 Genomes Project 30x 0.00593; ExAC 0.01083; gnomAD 0.01128; TOPMed 0.01130; ESP Exome Variant Server 0.01215; gnomAD exomes 0.01574.
gnomAD v4.1: 24,559 of 1,610,258 alleles (1.5%); highest among the groups gnomAD compares: Non-Finnish European, 1.9%; 238 homozygotes.

Submission:

PreventionGenetics, part of Exact Sciences
Classification: Benign for LIMK1-related condition. Last evaluated: 2019-06-06. Review status: no assertion criteria provided. Collection method: clinical testing. Allele origin: germline.
Comment: This variant is classified as benign based on ACMG/AMP sequence variant interpretation guidelines (Richards et al. 2015 PMID: 25741868, with internal and published modifications).

NM_002314.4(LIMK1):c.1567+7G>A

Gene: LIMK1 (LIM domain kinase 1; plus strand). Cytogenetic location: 7q11.23.
Variant type: single nucleotide variant.
Coding change: c.1567+7G>A on transcript NM_002314.4 (MANE Select); 7 bases into the intron after coding-DNA position 1567, G replaced by A.
Molecular consequence: intron variant.
Genome position (GRCh38, 1-based): chr7:74,115,965, G>A. VCF-style: chr7-74115965-G-A. GRCh37 (hg19) VCF-style: chr7-73530295-G-A.
Other names: c.1465+7G>A (NM_001204426.2).
Identifiers: ClinVar variation 3037439 (VCV003037439.2), dbSNP rs222996, ClinGen allele CA4294000.